The following is an entry in ClinVar:

ClinVar aggregate classification (germline): Likely benign. Review status: criteria provided, multiple submitters, no conflicts (2 of 4 stars). 4 submissions from 4 submitters: Likely benign (3). 1 of the submissions does not count toward it. Last evaluated 2026-02-02.

Conditions:
CCDC88A-related disorder. Also called: CCDC88A-related condition.

Allele frequency attached by ClinVar (database versions not stated): 1000 Genomes Project 30x 0.00031; 1000 Genomes Project 0.00040; gnomAD exomes 0.00087 and 0.00135; ESP Exome Variant Server 0.00108; ExAC 0.00117; gnomAD 0.00127 and 0.00129; TOPMed 0.00152.
gnomAD v4.1: 1,556 of 1,612,154 alleles (0.097%); highest among the groups gnomAD compares: Middle Eastern, 1.2%; 5 homozygotes.

Submissions (4):

Labcorp Genetics (formerly Invitae), Labcorp
Classification: Likely benign. Last evaluated: 2026-02-02. Review status: criteria provided, single submitter. Criteria: Invitae Variant Classification Sherloc (09022015). Collection method: clinical testing. Allele origin: germline.

CeGaT Center for Human Genetics Tuebingen
Classification: Likely benign. Last evaluated: 2025-08-01. Review status: criteria provided, single submitter. Criteria: CeGaT Center For Human Genetics Tuebingen Variant Classification Criteria Version 2. Collection method: clinical testing. Allele origin: germline. Affected: yes. Observed: 3 variant alleles.
Comment: PRORSD1P: BS2

Breakthrough Genomics
Classification: Likely benign. Review status: criteria provided, single submitter. Criteria: ACMG Guidelines, 2015. Collection method: not provided. Allele origin: germline. Inheritance: Autosomal recessive inheritance. Affected: yes.

PreventionGenetics, part of Exact Sciences
Classification: Likely benign for CCDC88A-related condition. Last evaluated: 2019-04-05. Review status: no assertion criteria provided. Collection method: clinical testing. Allele origin: germline. Not counted in ClinVar's aggregate classification.
Comment: This variant is classified as likely benign based on ACMG/AMP sequence variant interpretation guidelines (Richards et al. 2015 PMID: 25741868, with internal and published modifications).

NM_001365480.1(CCDC88A):c.1369T>C (p.Leu457=)

Gene: CCDC88A (coiled-coil and HOOK domain protein 88A; minus strand). Cytogenetic location: 2p16.1.
Variant type: single nucleotide variant.
Coding change: c.1369T>C on transcript NM_001365480.1 (MANE Select); coding-DNA position 1369, T replaced by C.
Protein change: p.Leu457=; no amino-acid change (leucine 457 retained).
Molecular consequence: synonymous variant.
Genome position (GRCh38, 1-based): chr2:55,339,613, A>G on the plus strand (T>C on the coding strand, the complement: CCDC88A is on the minus strand). VCF-style: chr2-55339613-A-G. GRCh37 (hg19) VCF-style: chr2-55566749-A-G.
Other names: c.1369T>C, p.Leu457= (NM_001135597.2, NM_001254943.2, NM_018084.5).
Identifiers: ClinVar variation 774407 (VCV000774407.35), dbSNP rs144393509, ClinGen allele CA1666158.